The following continues an entry in ClinVar:

NM_000243.3(MEFV):c.2040G>C (p.Met680Ile)

ClinVar aggregate classification (germline): Pathogenic/Likely pathogenic. Pathogenic (36); Likely pathogenic (1).

Submissions 13 to 37 of 48:

PreventionGenetics, part of Exact Sciences
Classification: Pathogenic for MEFV-related condition. Last evaluated: 2024-11-13. Review status: criteria provided, single submitter. Criteria: ACMG Guidelines, 2015. Collection method: clinical testing. Allele origin: germline.
Comment: The MEFV c.2040G>C variant is predicted to result in the amino acid substitution p.Met680Ile. This variant, in the homozygous, compound heterozygous and heterozygous states, has been reported to be causative for familial Mediterranean fever (Int. FMF. et al. 1997. PubMed ID: 9288758; Moradian et al. 2014. PubMed ID: 23907647). This variant is reported in 0.023% of alleles in individuals of European (Non-Finnish) descent in gnomAD. This variant is interpreted as pathogenic.

Mayo Clinic Laboratories, Mayo Clinic
Classification: Pathogenic. Last evaluated: 2024-09-09. Review status: criteria provided, single submitter. Criteria: ACMG Guidelines, 2015. Collection method: clinical testing. Allele origin: germline. Observed: 4 variant alleles.
Comment: PM1, PS3, PS4

Baylor Genetics
Classification: Pathogenic for Familial Mediterranean fever, autosomal dominant. Last evaluated: 2024-03-26. Review status: criteria provided, single submitter. Criteria: ACMG Guidelines, 2015. Collection method: clinical testing. Allele origin: unknown.

Fulgent Genetics
Classification: Pathogenic for Familial Mediterranean fever, autosomal dominant; Familial Mediterranean fever; Acute febrile neutrophilic dermatosis. Last evaluated: 2024-03-26. Review status: criteria provided, single submitter. Criteria: ACMG Guidelines, 2015. Collection method: clinical testing. Allele origin: germline.

Intergen Genetics and Rare Diseases Diagnosis Center
Classification: Pathogenic for Familial Mediterranean fever. Last evaluated: 2023-07-18. Review status: criteria provided, single submitter. Criteria: ACMG Guidelines, 2015. Collection method: clinical testing. Allele origin: unknown. Inheritance: Autosomal recessive inheritance. Affected: no. Observed: 1 heterozygote.

Laboratory for Molecular Medicine, Mass General Brigham Personalized Medicine
Classification: Pathogenic for Familial Mediterranean fever. Last evaluated: 2022-11-03. Review status: criteria provided, single submitter. Criteria: ACMG Guidelines, 2015. Collection method: clinical testing. Allele origin: germline.
Comment: The p.Met680Ile variant in MEFV has been reported in the homozygous and compound heterozygous state in numerous individuals with familial Mediterranean fever and accounts for approximately 9% of pathogenic MEFV variants in individuals of different ethnic groups (example: Aksentijevich 1999 PMID: 10090880). It has been reported in ClinVar (Variation ID 36507) and has been identified in 6/68036 European chromosomes by gnomAD (. Computational prediction tools and conservation analyses do not provide strong support for or against an impact to the protein. In summary, this variant meets criteria to be classified as pathogenic for autosomal recessive familial Mediterranean fever. ACMG/AMP Criteria applied: PM2_Supporting, PM3_VeryStrong, PP1_Strong.

Clinical Genetics Laboratory, Skane University Hospital Lund
Classification: Pathogenic. Last evaluated: 2022-10-06. Review status: criteria provided, single submitter. Criteria: ACMG Guidelines, 2015. Collection method: clinical testing. Allele origin: germline. Affected: yes.

GeneDx
Classification: Pathogenic. Last evaluated: 2022-09-06. Review status: criteria provided, single submitter. Criteria: GeneDx Variant Classification Process June 2021. Collection method: clinical testing. Allele origin: germline. Affected: yes.
Comment: Accounts for approximately 9% of identifiable pathogenic MEFV variants in patients of different ethnic groups (Aksentijevich et al., 1999); In silico analysis supports that this missense variant does not alter protein structure/function; This variant is associated with the following publications: (PMID: 20483145, 27621632, 19967574, 10447272, 16179998, 24433404, 16785446, 30513227, 27457448, 29080837, 19302049, 33440462, 10852276, 20669279, 23973724, 20437121, 21623663, 9288758, 19863562, 24141617, 10364520, 10090880, 23907647, 27513391, 12908875, 19151977, 26510601, 28492532, 29543225, 30783801, 32199921, 34426522, 31589614, 11977178, 32441320, 10662876)

Laboratory of Medical Genetics, National & Kapodistrian University of Athens
Classification: Pathogenic for Familial Mediterranean fever. Last evaluated: 2022-07-18. Review status: criteria provided, single submitter. Criteria: ACMG Guidelines, 2015. Collection method: clinical testing. Allele origin: germline. Affected: yes.
Comment: PS1, PS3, PM1, PM5, PM2, PP5, BP4

Department of Human Genetics, Hannover Medical School
Classification: Pathogenic for Familial Mediterranean fever, autosomal dominant. Last evaluated: 2022-06-09. Review status: criteria provided, single submitter. Criteria: ACMG Guidelines, 2015. Collection method: clinical testing. Allele origin: germline. Inheritance: Autosomal dominant inheritance.

MGZ Medical Genetics Center
Classification: Pathogenic for Familial Mediterranean fever. Last evaluated: 2022-06-07. Review status: criteria provided, single submitter. Criteria: ACMG Guidelines, 2015. Collection method: clinical testing. Allele origin: germline. Affected: yes. Observed: 3 variant alleles.
Comment: ACMG criteria applied: PS4, PM3_STR, PS3_MOD, PM1, PP1

Genome Diagnostics Laboratory, The Hospital for Sick Children
Classification: Pathogenic for Autoinflammatory syndrome. Last evaluated: 2022-02-08. Review status: criteria provided, single submitter. Criteria: ACMG Guidelines, 2015. Collection method: clinical testing. Allele origin: germline. Affected: yes.

CENTOGENE GmbH and LLC - Guiding Precision Medicine
Classification: Pathogenic for Familial Mediterranean fever. Last evaluated: 2021-08-12. Review status: criteria provided, single submitter. Criteria: ACMG Guidelines, 2015. Collection method: clinical testing. Allele origin: germline. Affected: yes.

Genome-Nilou Lab
Classification: Pathogenic for Familial Mediterranean fever. Last evaluated: 2021-07-22. Review status: criteria provided, single submitter. Criteria: ACMG Guidelines, 2015. Collection method: clinical testing. Allele origin: germline. Affected: no.

Laboratorio de Genetica e Diagnostico Molecular, Hospital Israelita Albert Einstein
Classification: Pathogenic. Last evaluated: 2021-04-06. Review status: criteria provided, single submitter. Criteria: ACMG Guidelines, 2015. Collection method: clinical testing. Allele origin: germline. Affected: yes.
Comment: ACMG classification criteria: PS3, PS4, PM2, PM3, BP4

Institute of Medical Genetics and Applied Genomics, University Hospital Tübingen
Classification: Pathogenic. Last evaluated: 2020-10-23. Review status: criteria provided, single submitter. Criteria: ACMG Guidelines, 2015. Collection method: clinical testing. Allele origin: germline. Inheritance: Autosomal unknown. Affected: yes.

Dubai Health Genomic Medicine Center, Dubai Health
Classification: Pathogenic for Familial Mediterranean fever, autosomal dominant. Last evaluated: 2020-10-04. Review status: criteria provided, single submitter. Criteria: ACMG Guidelines, 2015. Collection method: clinical testing. Allele origin: germline. Affected: yes.

Centre for Mendelian Genomics, University Medical Centre Ljubljana
Classification: Pathogenic for Acute febrile neutrophilic dermatosis. Last evaluated: 2020-02-25. Review status: criteria provided, single submitter. Criteria: ACMG Guidelines, 2015. Collection method: clinical testing. Allele origin: unknown. Affected: yes.
Comment: This variant was classified as: Pathogenic. The following ACMG criteria were applied in classifying this variant: PS1,PM1,PM3,PM5.

Quest Diagnostics Nichols Institute San Juan Capistrano
Classification: Pathogenic. Last evaluated: 2019-02-20. Review status: criteria provided, single submitter. Criteria: Quest Diagnostics criteria. Collection method: clinical testing. Allele origin: germline.
Comment: The best available variant frequency is uninformative. Found in at least one symptomatic patient. Predicted to have a tolerated effect on the protein. One other pathogenic or likely pathogenic variant affects the same amino acid. Occurs in multiple cases with a recessive pathogenic variant in the same gene. Assessment of experimental evidence suggests this variant results in abnormal protein function.

Ambry Genetics
Classification: Pathogenic for Inborn genetic diseases. Last evaluated: 2018-01-11. Review status: criteria provided, single submitter. Criteria: Ambry Variant Classification Scheme 2023. Collection method: clinical testing. Allele origin: germline.
Comment: The p.M680I pathogenic mutation (also known as c.2040G>C), located in coding exon 10 of the MEFV gene, results from a G to C substitution at nucleotide position 2040. The methionine at codon 680 is replaced by isoleucine, an amino acid with highly similar properties. This mutation is well documented as one of the five most common MEFV mutations and has been seen in both the homozygous and heterozygous states in multiple individuals with a clinical diagnosis of familial Mediterranean fever (FMF). In addition, codon 680 in the MEFV gene has been documented as a mutational hotspot and is associated with severe manifestations of FMF (Neocleous V et al. Ann. Hum. Genet., 2015 Jan;79:20-7; Touitou I. Eur. J. Hum. Genet., 2001 Jul;9:473-83; The International FMF Consortium. Cell, 1997 Aug;90:797-807). Based on the supporting evidence, this alteration is interpreted as a disease-causing mutation.

Eurofins Ntd Llc (ga)
Classification: Pathogenic. Last evaluated: 2014-10-14. Review status: criteria provided, single submitter. Criteria: EGL Classification Definitions 2015. Collection method: clinical testing. Allele origin: germline. Observed: 1 variant allele, 1 heterozygote.

Clinical Genetics and Genomics, Karolinska University Hospital
Classification: Pathogenic. Last evaluated: 2014-10-01. Review status: criteria provided, single submitter. Criteria: ACMG Guidelines, 2015. Collection method: clinical testing. Allele origin: germline. Affected: yes. Observed: 31 variant alleles.

Women's Health and Genetics/Laboratory Corporation of America, LabCorp
Classification: Pathogenic for Familial Mediterranean Fever. Last evaluated: 2011-08-18. Review status: criteria provided, single submitter. Criteria: LabCorp Variant Classification Summary - May 2015. Collection method: curation, clinical testing. Allele origin: germline. Inheritance: autosomal recessive. Affected: yes. Observed: 41 variant alleles.
ClinVar note: Converted during submission from pathogenic to Pathogenic.

Hadassah Hebrew University Medical Center
Classification: Pathogenic for Familial Mediterranean fever. Review status: criteria provided, single submitter. Criteria: ACMG Guidelines, 2015. Collection method: research. Allele origin: germline. Affected: no. Observed: 2 variant alleles.

Kariminejad - Najmabadi Pathology & Genetics Center
Classification: Pathogenic for Familial Mediterranean fever. Review status: criteria provided, single submitter. Criteria: ACMG Guidelines, 2015. Collection method: clinical testing. Allele origin: germline. Affected: no.